The following is an entry in ClinVar:

ClinVar aggregate classification (germline): Uncertain significance. Review status: reviewed by expert panel (3 of 4 stars). 2 submissions from 2 submitters: Uncertain significance (1). 1 of the submissions does not count toward it. Last evaluated 2023-02-26.

Conditions:
Familial adenomatous polyposis 1 (FAP1). Also called: FAMILIAL ADENOMATOUS POLYPOSIS 1, ATTENUATED; POLYPOSIS, ADENOMATOUS INTESTINAL. Identifiers: MedGen C2713442, MONDO:0021056, OMIM 175100. Disease mechanism: loss of function.

Submissions (2):

ClinGen InSiGHT Hereditary Colorectal Cancer/Polyposis Variant Curation Expert Panel
Classification: Uncertain significance for Familial adenomatous polyposis 1. Last evaluated: 2023-02-26. Review status: reviewed by expert panel. Criteria: ClinGen InSiGHT HCCP VCEP ACMG Specifications APC V1. Collection method: curation. Allele origin: germline. Inheritance: Autosomal dominant inheritance.
Comment: The NC_000005.9:g.(?_112116481)_(112179829_?)dup variant in APC is a copy number gain variant of the genomic region encompassing exons 6-16 of the APC gene. The 5' boundary is likely confined to intron 5. The 3' end of this event is unknown as it extends beyond the assayed region for this gene and therefore may encompass additional genes. The exact location of this variant in the genome is unknown. This variant is absent from gnomAD SVs v2.1 (PM2_supporting). In summary, this is a Variant of Unknown Significance (VUS) for FAP based on the ACMG/AMP criteria applied, as specified by the ClinGen InSiGHT Hereditary Colorectal Cancer/Polyposis Variant Curation Expert Panel: PM2_supporting (VCEP specifications version 1; date of approval: 12/12/2022).

Labcorp Genetics (formerly Invitae), Labcorp
Classification: Uncertain significance for Familial adenomatous polyposis 1. Last evaluated: 2017-11-16. Review status: criteria provided, single submitter. Criteria: Invitae Variant Classification Sherloc (09022015). Collection method: clinical testing. Allele origin: germline. Not counted in ClinVar's aggregate classification.
Comment: This variant is a gross duplication of the genomic region encompassing exons 6-16 of the APC gene. The 5' boundary is likely confined to intron 5. The 3' end of this event is unknown as it extends beyond the assayed region for this gene and therefore may encompass additional genes. The exact location of this variant in the genome is unknown. This variant has not been reported in the literature in individuals with APC-related disease. In summary, the available evidence is currently insufficient to determine the role of this variant in disease. Therefore, it has been classified as a Variant of Uncertain Significance.

NC_000005.9:g.(?_112116481)_(112179829_?)dup

Gene: APC (APC regulator of Wnt signaling pathway; plus strand). Cytogenetic location: 5q22.2.
Variant type: Duplication.
Identifiers: ClinVar variation 537703 (VCV000537703.2).